The following is an entry in ClinVar:

ClinVar aggregate classification (germline): Likely benign (1 of 4 stars; one submission).

Submission:

Women's Health and Genetics/Laboratory Corporation of America, LabCorp
Classification: Likely benign. Last evaluated: 2023-11-03. Review status: criteria provided, single submitter. Criteria: LabCorp Variant Classification Summary - May 2015. Collection method: clinical testing. Allele origin: germline.
Comment: Variant summary: SYNE1 c.9168-15_9168-13delinsTCA is part of a multinucleotide combination of c.9168-13G>A and c.9168-15G>T that alters nucleotides located at a position not widely known to affect splicing. Consensus agreement among computation tools predict no significant impact on normal splicing. However, these predictions have yet to be confirmed by functional studies. The variant was absent in 143002 control chromosomes. The available data on variant occurrences in the general population are insufficient to allow any conclusion about variant significance. To our knowledge, no occurrence of c.9168-15_9168-13delinsTCA in individuals affected with SYNE1-Related Disorders and no experimental evidence demonstrating its impact on protein function have been reported. No submitters have cited clinical-significance assessments for this variant to ClinVar after 2014. Based on the evidence outlined above, the variant was classified as likely benign.

NM_182961.4(SYNE1):c.9147-15_9147-13delinsTCA

Gene: SYNE1 (spectrin repeat containing nuclear envelope protein 1; minus strand). Cytogenetic location: 6q25.2.
Variant type: Indel.
Coding change: c.9147-15_9147-13delinsTCA on transcript NM_182961.4 (MANE Select); 15 bases into the intron before coding-DNA position 9147 through 13 bases into the intron before coding-DNA position 9147, GCG replaced by TCA.
Molecular consequence: intron variant.
Genome position (GRCh38, 1-based): chr6:152,376,571-152,376,573, CGC replaced by TGA on the plus strand (GCG replaced by TCA on the coding strand, the reverse complement: SYNE1 is on the minus strand). VCF-style: chr6-152376571-CGC-TGA. GRCh37 (hg19) VCF-style: chr6-152697706-CGC-TGA.
Other names: c.9168-15_9168-13delinsTCA (NM_033071.5).
Identifiers: ClinVar variation 2682319 (VCV002682319.1), dbSNP rs2491017054, ClinGen allele CA2697553794.